The following is an entry in ClinVar:

ClinVar aggregate classification (germline): Uncertain significance (1 of 4 stars; one submission).

Conditions:
Short-rib thoracic dysplasia 10 with or without polydactyly (SRTD10). Identifiers: Orphanet 474, MedGen C3810175, MONDO:0014284, OMIM 615630.
Retinitis pigmentosa 71 (RP71). Identifiers: Orphanet 791, MedGen C4225342, MONDO:0014618, OMIM 616394.

Allele frequency attached by ClinVar (database versions not stated): ExAC 0.00001; gnomAD exomes below 0.00001.
gnomAD v4.1: 2 of 1,530,040 alleles (0.00013%); highest among the groups gnomAD compares: Non-Finnish European, 0.00018%; no homozygotes.

Submission:

Labcorp Genetics (formerly Invitae), Labcorp
Classification: Uncertain significance for Retinitis pigmentosa 71; Short-rib thoracic dysplasia 10 with or without polydactyly. Last evaluated: 2025-02-10. Review status: criteria provided, single submitter. Criteria: Invitae Variant Classification Sherloc (09022015). Collection method: clinical testing. Allele origin: germline.
Comment: This sequence change falls in intron 7 of the IFT172 gene. It does not directly change the encoded amino acid sequence of the IFT172 protein. It affects a nucleotide within the consensus splice site. This variant is present in population databases (rs764578452, gnomAD 0.002%). This variant has not been reported in the literature in individuals affected with IFT172-related conditions. ClinVar contains an entry for this variant (Variation ID: 2003270). Variants that disrupt the consensus splice site are a relatively common cause of aberrant splicing (PMID: 17576681, 9536098). Algorithms developed to predict the effect of sequence changes on RNA splicing suggest that this variant may disrupt the consensus splice site. In summary, the available evidence is currently insufficient to determine the role of this variant in disease. Therefore, it has been classified as a Variant of Uncertain Significance.

Literature cited by the submitters: PubMed 17576681; PubMed 9536098.

NM_015662.3(IFT172):c.570+3A>G

Gene: IFT172 (intraflagellar transport 172; minus strand). Cytogenetic location: 2p23.3.
Variant type: single nucleotide variant.
Coding change: c.570+3A>G on transcript NM_015662.3 (MANE Select); 3 bases into the intron after coding-DNA position 570, A replaced by G.
Molecular consequence: intron variant.
Genome position (GRCh38, 1-based): chr2:27,483,286, T>C on the plus strand (A>G on the coding strand, the complement: IFT172 is on the minus strand). VCF-style: chr2-27483286-T-C. GRCh37 (hg19) VCF-style: chr2-27706153-T-C.
Identifiers: ClinVar variation 2003270 (VCV002003270.4), dbSNP rs764578452, ClinGen allele CA1580936.